The following is an entry in ClinVar:

NM_004341.5(CAD):c.680C>T (p.Ala227Val)

Gene: CAD (carbamoyl-phosphate synthetase 2, aspartate transcarbamylase, and dihydroorotase; plus strand). Cytogenetic location: 2p23.3.
Variant type: single nucleotide variant.
Coding change: c.680C>T on transcript NM_004341.5 (MANE Select); coding-DNA position 680, C replaced by T.
Protein change: p.Ala227Val; replaces alanine 227 with valine.
Molecular consequence: missense variant.
Genome position (GRCh38, 1-based): chr2:27,222,908, C>T. VCF-style: chr2-27222908-C-T. GRCh37 (hg19) VCF-style: chr2-27445776-C-T.
Other names: c.680C>T, p.Ala227Val (NM_001306079.2); short protein forms A227V.
Identifiers: ClinVar variation 1957824 (VCV001957824.5), dbSNP rs755381059, ClinGen allele CA1572497.

ClinVar aggregate classification (germline): Uncertain significance. Review status: criteria provided, multiple submitters, no conflicts (2 of 4 stars). 2 submissions from 2 submitters: Uncertain significance (2). Last evaluated 2023-05-22.

Allele frequency attached by ClinVar (database versions not stated): ExAC 0.00001; gnomAD 0.00001; gnomAD exomes 0.00001; TOPMed 0.00001.
gnomAD v4.1: 10 of 1,614,054 alleles (0.00062%); highest among the groups gnomAD compares: Non-Finnish European, 0.00085%; no homozygotes.

Submissions (2):

Labcorp Genetics (formerly Invitae), Labcorp
Classification: Uncertain significance. Last evaluated: 2023-05-22. Review status: criteria provided, single submitter. Criteria: Invitae Variant Classification Sherloc (09022015). Collection method: clinical testing. Allele origin: germline.
Comment: This sequence change replaces alanine, which is neutral and non-polar, with valine, which is neutral and non-polar, at codon 227 of the CAD protein (p.Ala227Val). In summary, the available evidence is currently insufficient to determine the role of this variant in disease. Therefore, it has been classified as a Variant of Uncertain Significance. Algorithms developed to predict the effect of sequence changes on RNA splicing suggest that this variant may create or strengthen a splice site. Advanced modeling of protein sequence and biophysical properties (such as structural, functional, and spatial information, amino acid conservation, physicochemical variation, residue mobility, and thermodynamic stability) performed at Invitae indicates that this missense variant is not expected to disrupt CAD protein function. ClinVar contains an entry for this variant (Variation ID: 1957824). This variant has not been reported in the literature in individuals affected with CAD-related conditions. This variant is present in population databases (rs755381059, gnomAD 0.0009%).

Breakthrough Genomics
Classification: Uncertain significance. Review status: criteria provided, single submitter. Criteria: ACMG Guidelines, 2015. Collection method: not provided. Allele origin: germline. Inheritance: Autosomal recessive inheritance. Affected: yes.